The following is an entry in ClinVar:

ClinVar aggregate classification (germline): Pathogenic (1 of 4 stars; one submission).

Conditions:
Arrhythmogenic cardiomyopathy with wooly hair and keratoderma. Also called: Carvajal syndrome; Arrhythmogenic cardiomyopathy with woolly hair and keratoderma; PALMOPLANTAR KERATODERMA WITH LEFT VENTRICULAR CARDIOMYOPATHY AND WOOLLY HAIR; Dilated cardiomyopathy with woolly hair and keratoderma. Identifiers: Orphanet 65282, MedGen C1854063, MONDO:0011581, OMIM 605676.
Arrhythmogenic right ventricular dysplasia 8 (ARVD8). Also called: ARRHYTHMOGENIC RIGHT VENTRICULAR DYSPLASIA, FAMILIAL, 8; ARRHYTHMOGENIC RIGHT VENTRICULAR CARDIOMYOPATHY 8; Arrhythmogenic Right Ventricular Dysplasia/Cardiomyopathy 8. Identifiers: MedGen C1843896, MONDO:0011831, OMIM 607450.

Submission:

Labcorp Genetics (formerly Invitae), Labcorp
Classification: Pathogenic for Arrhythmogenic cardiomyopathy with wooly hair and keratoderma; Arrhythmogenic right ventricular dysplasia 8. Last evaluated: 2025-09-22. Review status: criteria provided, single submitter. Criteria: Invitae Variant Classification Sherloc (09022015). Collection method: clinical testing. Allele origin: germline.
Comment: This sequence change creates a premature translational stop signal (p.His1950delinsGln*) in the DSP gene. While this is not anticipated to result in nonsense mediated decay, it is expected to disrupt the last 922 amino acid(s) of the DSP protein. Information on the frequency of this variant in the gnomAD database is not available, as this variant may be reported differently in the database. This variant has not been reported in the literature in individuals affected with DSP-related conditions. ClinVar contains an entry for this variant (Variation ID: 1451660). This variant disrupts a region of the DSP protein in which other variant(s) (p.Glu2728Glyfs*11) have been determined to be pathogenic (internal data). This suggests that this is a clinically significant region of the protein, and that variants that disrupt it are likely to be disease-causing. For these reasons, this variant has been classified as Pathogenic.

NM_004415.4(DSP):c.5850_5851delinsAT (p.His1950_Arg1951delinsGlnTer)

Gene: DSP (desmoplakin; plus strand). Cytogenetic location: 6p24.3.
Variant type: Indel.
Coding change: c.5850_5851delinsAT on transcript NM_004415.4 (MANE Select); coding-DNA positions 5850 to 5851, TC replaced by AT.
Protein change: p.His1950_Arg1951delinsGlnTer.
Molecular consequence: nonsense.
Genome position (GRCh38, 1-based): chr6:7,583,112-7,583,113, TC replaced by AT. VCF-style: chr6-7583112-TC-AT. GRCh37 (hg19) VCF-style: chr6-7583345-TC-AT.
Other names: c.4053_4054delinsAT, p.His1351_Arg1352delinsGlnTer (NM_001008844.3); c.4521_4522delinsAT, p.His1507_Arg1508delinsGlnTer (NM_001319034.2).
Identifiers: ClinVar variation 1451660 (VCV001451660.6), dbSNP rs2113698912, ClinGen allele CA2573140811.